The following is an entry in ClinVar:

NM_000459.5(TEK):c.3330_3335delinsT (p.Lys1110fs)

Gene: TEK (TEK receptor tyrosine kinase; plus strand). Cytogenetic location: 9p21.2.
Variant type: Indel.
Coding change: c.3330_3335delinsT on transcript NM_000459.5 (MANE Select); coding-DNA positions 3330 to 3335, GTTTAC replaced by T.
Protein change: p.Lys1110fs; shifts the reading frame from lysine 1110.
Molecular consequence: frameshift variant.
Genome position (GRCh38, 1-based): chr9:27,229,187-27,229,192, GTTTAC replaced by T. VCF-style: chr9-27229187-GTTTAC-T. GRCh37 (hg19) VCF-style: chr9-27229185-GTTTAC-T.
Other names: c.3201_3206delGTTTACinsT, p.Lys1067Asnfs (NM_001290077.2); c.2886_2891delGTTTACinsT, p.Lys962Asnfs (NM_001290078.2); c.3327_3332delinsT, p.Lys1109fs (NM_001375475.1); c.3198_3203delinsT, p.Lys1066fs (NM_001375476.1); short protein forms K1066fs, K1067fs, K1109fs, K1110fs, K962fs.
Identifiers: ClinVar variation 4279974 (VCV004279974.1).
Genomic context (GRCh38, chr9:27,229,187, plus strand): 5'-CTATGTCTCTGAACCATTTTCATTCTTCCAGACCTACGTGAATACCACGCTTTATGAGAA[GTTTAC>T]TTATGCAGGAATTGACTGTTCTGCTGAAGAAGCGGCCTAGGACAGAACATCTGTATACCC-3'

ClinVar aggregate classification (germline): Likely pathogenic (1 of 4 stars; one submission).

Conditions:
Venous malformation (VM). Identifiers: MedGen C2937220, HP:0012721. Disease mechanism: gain of function.

Submission:

Clinical Genomics Laboratory, Washington University in St. Louis
Classification: Likely pathogenic for Venous malformation. Last evaluated: 2025-04-14. Review status: criteria provided, single submitter. Criteria: Leon-Quintero et al. (Clin Genet. 2025). Collection method: clinical testing. Allele origin: somatic.
Comment: A TEK c.3330_3335delinsT (p.Lys1110Asnfs*6) variant was identified at an allelic fraction consistent with somatic origin. This exact variant to our knowledge, has not been reported in the medical literature, however, several other similar frameshift and nonsense variants at this amino acid and nearby residues have been reported in patients with vascular malformations (McNulty SN et al., PMID: 31585106; Nätynki M et al., PMID: 26319232; Limaye N et al., PMID: 26637981; Soblet J et al., PMID: 23801934; Revencu N et al., PMID: 38778413; Hirose K et al., PMID: 38367816). This variant is absent from the general population (gnomAD v.4.1.0), indicating it is not a common variant. The TEK c.3330_3335delinsT (p.Lys1110Asnfs*6) variant resides within the C-terminal tail, which is defined as a critical functional domain (Shewchuk LM et al., PMID: 11080633). Functional studies on truncating variants in exon 23 of TEK (carboxy terminus of Tie2) demonstrated ligand-independent hyperphosphorylation of the Tie2 receptor, which is predicted to disrupt an autoinhibitory mechanism involving the C terminal region of Tie2 and thus resulting in constitutive activation of the downstream AKT signaling pathway (Nätynki M et al., PMID: 26319232; Soblet J et al., PMID: 23801934; Niu XL et al., PMID: 12082108). This variant causes a premature termination codon, however, because this occurs in the last exon, this is not predicted to lead to nonsense mediated decay. Based on an internally developed protocol informed by the ACMG/AMP guidelines (Leon-Quintero FZ, et al., PMID: 39434542) and gene-specific practices from the ClinGen Criteria Specification Registry, the TEK c.3330_3335delinsT (p.Lys1110Asnfs*6) variant is classified as likely pathogenic.